The following is an entry in ClinVar:

ClinVar aggregate classification (germline): Uncertain significance (1 of 4 stars; one submission).

Conditions:
Cardiovascular phenotype. Identifiers: MedGen CN230736.

Submission:

Ambry Genetics
Classification: Uncertain significance for Cardiovascular phenotype. Last evaluated: 2016-05-02. Review status: criteria provided, single submitter. Criteria: Ambry Variant Classification Scheme 2023. Collection method: clinical testing. Allele origin: germline.
Comment: The p.Q265* variant (also known as c.793C>T), located in coding exon 4 of the SNTA1 gene, results from a C to T substitution at nucleotide position 793. This changes the amino acid from a glutamine to a stop codon within coding exon 4. This variant was not reported in population based cohorts in the following databases: Database of Single Nucleotide Polymorphisms (dbSNP), NHLBI Exome Sequencing Project (ESP), and 1000 Genomes Project. In the ESP, this variant was not observed in 6503 samples (13006 alleles) with coverage at this position. This amino acid position is well conserved in available vertebrate species. As neither this specific alteration nor loss of function as a mechanism of pathogenicity have been well-described in the SNTA1 gene, the clinical significance of this variant remains unknown (ACMG Standards and guidelines for the interpretation of sequence variants. Genet Med. 2015;17(5):405-24).

NM_003098.3(SNTA1):c.793C>T (p.Gln265Ter)

Gene: SNTA1 (syntrophin alpha 1; minus strand). Cytogenetic location: 20q11.21.
Variant type: single nucleotide variant.
Coding change: c.793C>T on transcript NM_003098.3 (MANE Select); coding-DNA position 793, C replaced by T.
Protein change: p.Gln265Ter; replaces glutamine 265 with a stop codon.
Molecular consequence: nonsense.
Genome position (GRCh38, 1-based): chr20:33,412,691, G>A on the plus strand (C>T on the coding strand, the complement: SNTA1 is on the minus strand). VCF-style: chr20-33412691-G-A. GRCh37 (hg19) VCF-style: chr20-32000497-G-A.
Other names: short protein forms Q265*.
Identifiers: ClinVar variation 519219 (VCV000519219.5), dbSNP rs373610918, ClinGen allele CA408631637.